The following is an entry in ClinVar:

NM_001385641.1(SAMD11):c.1350C>G (p.Phe450Leu)

Gene: SAMD11 (sterile alpha motif domain containing 11; plus strand). Cytogenetic location: 1p36.33.
Variant type: single nucleotide variant.
Coding change: c.1350C>G on transcript NM_001385641.1 (MANE Select); coding-DNA position 1350, C replaced by G.
Protein change: p.Phe450Leu; replaces phenylalanine 450 with leucine.
Molecular consequence: missense variant.
Genome position (GRCh38, 1-based): chr1:941,298, C>G. VCF-style: chr1-941298-C-G. GRCh37 (hg19) VCF-style: chr1-876678-C-G.
Other names: c.1353C>G, p.Phe451Leu (NM_001385640.1); c.861C>G, p.Phe287Leu (NM_152486.4); short protein forms F287L, F450L, F451L.
Identifiers: ClinVar variation 955893 (VCV000955893.7), dbSNP rs371190871, ClinGen allele CA502830.
Genomic context (GRCh38, chr1:941,298, plus strand): 5'-TCGGAAGCAGGGCCTGGCTCAGCACCGGGAGGGCGCCGCCCCAGCTGCCGCCCCGTCCTT[C>G]TCGGAGAGGTACTGGGGTGGCTGCCGTTCTCTGCTTGTTTCTGGGGTGCCGCCCGCACCC-3'
Protein context (NP_001372570.1, residues 440-460): EGAAPAAAPS[Phe450Leu]SERELPQPPP

ClinVar aggregate classification (germline): Uncertain significance (1 of 4 stars; one submission).

gnomAD v4.1: 22 of 1,586,738 alleles (0.0014%); highest among the groups gnomAD compares: South Asian, 0.0091%; no homozygotes.

Submission:

Labcorp Genetics (formerly Invitae), Labcorp
Classification: Uncertain significance. Last evaluated: 2022-08-01. Review status: criteria provided, single submitter. Criteria: Invitae Variant Classification Sherloc (09022015). Collection method: clinical testing. Allele origin: germline.
Comment: This sequence change replaces phenylalanine, which is neutral and non-polar, with leucine, which is neutral and non-polar, at codon 287 of the SAMD11 protein (p.Phe287Leu). This variant is present in population databases (rs371190871, gnomAD 0.01%). This variant has not been reported in the literature in individuals affected with SAMD11-related conditions. ClinVar contains an entry for this variant (Variation ID: 955893). Algorithms developed to predict the effect of missense changes on protein structure and function (SIFT, PolyPhen-2, Align-GVGD) all suggest that this variant is likely to be tolerated. In summary, the available evidence is currently insufficient to determine the role of this variant in disease. Therefore, it has been classified as a Variant of Uncertain Significance.